The following is an entry in ClinVar:

ClinVar aggregate classification (germline): Uncertain significance (1 of 4 stars; one submission).

gnomAD v4.1: 1 of 1,614,172 alleles (0.000062%); highest among the groups gnomAD compares: Non-Finnish European, 0.000085%; no homozygotes.

Submission:

Labcorp Genetics (formerly Invitae), Labcorp
Classification: Uncertain significance. Last evaluated: 2022-08-14. Review status: criteria provided, single submitter. Criteria: Invitae Variant Classification Sherloc (09022015). Collection method: clinical testing. Allele origin: germline.
Comment: In summary, the available evidence is currently insufficient to determine the role of this variant in disease. Therefore, it has been classified as a Variant of Uncertain Significance. Algorithms developed to predict the effect of missense changes on protein structure and function are either unavailable or do not agree on the potential impact of this missense change (SIFT: "Deleterious"; PolyPhen-2: "Probably Damaging"; Align-GVGD: "Class C0"). This variant has not been reported in the literature in individuals affected with NAXE-related conditions. This variant is not present in population databases (gnomAD no frequency). This sequence change replaces proline, which is neutral and non-polar, with alanine, which is neutral and non-polar, at codon 220 of the NAXE protein (p.Pro220Ala).

NM_144772.3(NAXE):c.658C>G (p.Pro220Ala)

Gene: NAXE (NAD(P)HX epimerase; plus strand). Cytogenetic location: 1q22.
Variant type: single nucleotide variant.
Coding change: c.658C>G on transcript NM_144772.3 (MANE Select); coding-DNA position 658, C replaced by G.
Protein change: p.Pro220Ala; replaces proline 220 with alanine.
Molecular consequence: missense variant.
Genome position (GRCh38, 1-based): chr1:156,593,549, C>G. VCF-style: chr1-156593549-C-G. GRCh37 (hg19) VCF-style: chr1-156563341-C-G.
Other names: short protein forms P220A.
Identifiers: ClinVar variation 2128986 (VCV002128986.4), dbSNP rs2526051268, ClinGen allele CA342875586.